The following is an entry in ClinVar:

ClinVar aggregate classification (germline): Pathogenic (1 of 4 stars; one submission).

Conditions:
Combined immunodeficiency due to CD3gamma deficiency. Also called: CD3-GAMMA DEFICIENCY; SCID-LIKE IMMUNODEFICIENCY, T CELL-PARTIAL, B CELL-POSITIVE, NK CELL-POSITIVE; Immunodeficiency 17; Immunodeficiency 17, CD3 gamma deficient. Identifiers: Orphanet 169082, MedGen C3810107, MONDO:0014276, OMIM 615607.

Submission:

Labcorp Genetics (formerly Invitae), Labcorp
Classification: Pathogenic for Combined immunodeficiency due to CD3gamma deficiency. Last evaluated: 2023-02-11. Review status: criteria provided, single submitter. Criteria: Invitae Variant Classification Sherloc (09022015). Collection method: clinical testing. Allele origin: germline.
Comment: This sequence change creates a premature translational stop signal (p.Gln37*) in the CD3G gene. It is expected to result in an absent or disrupted protein product. Loss-of-function variants in CD3G are known to be pathogenic (PMID: 1635567, 17277165, 24910257). This variant is not present in population databases (gnomAD no frequency). This variant has not been reported in the literature in individuals affected with CD3G-related conditions. For these reasons, this variant has been classified as Pathogenic.

Literature cited by the submitters: PubMed 1635567; PubMed 17277165; PubMed 24910257.

NM_000073.3(CD3G):c.109C>T (p.Gln37Ter)

Genes: CD3G (CD3 gamma subunit of T-cell receptor complex; plus strand), LOC126861358 (BRD4-independent group 4 enhancer GRCh37_chr11:118220212-118221411; plus strand). Cytogenetic location: 11q23.3.
Variant type: single nucleotide variant.
Coding change: c.109C>T on transcript NM_000073.3 (MANE Select); coding-DNA position 109, C replaced by T.
Protein change: p.Gln37Ter; replaces glutamine 37 with a stop codon.
Molecular consequence: nonsense.
Genome position (GRCh38, 1-based): chr11:118,349,772, C>T. VCF-style: chr11-118349772-C-T. GRCh37 (hg19) VCF-style: chr11-118220487-C-T.
Other names: short protein forms Q37*.
Identifiers: ClinVar variation 2833798 (VCV002833798.3), dbSNP rs1948388503, ClinGen allele CA382792283.